The following is an entry in ClinVar:

NM_000540.3(RYR1):c.13834T>G (p.Trp4612Gly)

Gene: RYR1 (ryanodine receptor 1; plus strand). Cytogenetic location: 19q13.2.
Variant type: single nucleotide variant.
Coding change: c.13834T>G on transcript NM_000540.3 (MANE Select); coding-DNA position 13834, T replaced by G.
Protein change: p.Trp4612Gly; replaces tryptophan 4612 with glycine.
Molecular consequence: missense variant.
Genome position (GRCh38, 1-based): chr19:38,572,106, T>G. VCF-style: chr19-38572106-T-G. GRCh37 (hg19) VCF-style: chr19-39062746-T-G.
Other names: c.13819T>G, p.Trp4607Gly (NM_001042723.2); short protein forms W4607G, W4612G.
Identifiers: ClinVar variation 3072097 (VCV003072097.1), dbSNP rs2514712535, ClinGen allele CA405680521.

ClinVar aggregate classification (germline): Uncertain significance (1 of 4 stars; one submission).

Conditions:
Malignant hyperthermia, susceptibility to, 1 (MHS1). Also called: Anesthesia related hyperthermia; Malignant hyperpyrexia; Fulminating hyperpyrexia; Pharmacogenic myopathy; RYR1-Related Malignant Hyperthermia Susceptibility; Malignant hyperthermia suceptibility 1. Identifiers: Orphanet 423, MedGen C2930980, MONDO:0007783, OMIM 145600.

Submission:

All of Us Research Program, National Institutes of Health
Classification: Uncertain significance for Malignant hyperthermia, susceptibility to, 1. Last evaluated: 2023-06-28. Review status: criteria provided, single submitter. Criteria: ACMG Guidelines, 2015. Collection method: clinical testing. Allele origin: germline. Inheritance: Autosomal dominant inheritance. Observed: 1 variant allele, 1 heterozygote.
Comment: This study involves interpretation of variants in research participants for the purpose of population health screening. Participant phenotype was not available at the time of variant classification. Additional details can be found in publication PMID: 35346344, PMCID: PMC8962531